The following is an entry in ClinVar:

NM_003070.5(SMARCA2):c.1991C>T (p.Pro664Leu)

Gene: SMARCA2 (SWI/SNF related BAF chromatin remodeling complex subunit ATPase 2; plus strand). Cytogenetic location: 9p24.3.
Variant type: single nucleotide variant.
Coding change: c.1991C>T on transcript NM_003070.5 (MANE Select); coding-DNA position 1991, C replaced by T.
Protein change: p.Pro664Leu; replaces proline 664 with leucine.
Molecular consequence: missense variant.
Genome position (GRCh38, 1-based): chr9:2,076,284, C>T. VCF-style: chr9-2076284-C-T. GRCh37 (hg19) VCF-style: chr9-2076284-C-T.
Other names: c.1991C>T, p.Pro664Leu (NM_001289396.2, NM_001289397.2, NM_139045.4); short protein forms P664L.
Identifiers: ClinVar variation 3359713 (VCV003359713.1).
Genomic context (GRCh38, chr9:2,076,284, plus strand): 5'-TCCAGGATGAGGAAGAAGAGTCCAGTAGGCAGGAAACCGAAGAGAAAATACTCCTGGATC[C>T]AAATAGCGAAGAAGTTTCTGAGAAGGATGCTAAGCAGATCATTGAGTATGTACTGCATTT-3'
Protein context (NP_003061.3, residues 654-674): QETEEKILLD[Pro664Leu]NSEEVSEKDA

ClinVar aggregate classification (germline): Uncertain significance (1 of 4 stars; one submission).

gnomAD v4.1: 1 of 1,612,782 alleles (0.000062%); highest among the groups gnomAD compares: Non-Finnish European, 0.000085%; no homozygotes.

Submission:

GeneDx
Classification: Uncertain significance. Last evaluated: 2023-06-11. Review status: criteria provided, single submitter. Criteria: GeneDx Variant Classification Process June 2021. Collection method: clinical testing. Allele origin: germline. Affected: yes.
Comment: Not observed at significant frequency in large population cohorts (gnomAD); In silico analysis supports that this missense variant has a deleterious effect on protein structure/function; Has not been previously published as pathogenic or benign to our knowledge